The following is an entry in ClinVar:

NM_000093.5(COL5A1):c.2431-289C>G

Gene: COL5A1 (collagen type V alpha 1 chain; plus strand). Cytogenetic location: 9q34.3.
Variant type: single nucleotide variant.
Coding change: c.2431-289C>G on transcript NM_000093.5 (MANE Select); 289 bases into the intron before coding-DNA position 2431, C replaced by G.
Molecular consequence: intron variant.
Genome position (GRCh38, 1-based): chr9:134,782,378, C>G. VCF-style: chr9-134782378-C-G. GRCh37 (hg19) VCF-style: chr9-137674224-C-G.
Other names: c.2431-289C>G (NM_001278074.1).
Identifiers: ClinVar variation 669899 (VCV000669899.1), dbSNP rs62574086, ClinGen allele CA201104253.

ClinVar aggregate classification (germline): Likely benign (1 of 4 stars; one submission).

Allele frequency attached by ClinVar (database versions not stated): TOPMed 0.01837; gnomAD 0.01960 and 0.01999; 1000 Genomes Project 0.02256; 1000 Genomes Project 30x 0.02264.
gnomAD v4.1: 3,038 of 152,342 alleles (2%); highest among the groups gnomAD compares: East Asian, 3.5%; 33 homozygotes.

Submission:

GeneDx
Classification: Likely benign. Last evaluated: 2018-06-16. Review status: criteria provided, single submitter. Criteria: GeneDx Variant Classification (06012015). Collection method: clinical testing. Allele origin: germline. Affected: yes.
Comment: This variant is considered likely benign or benign based on one or more of the following criteria: it is a conservative change, it occurs at a poorly conserved position in the protein, it is predicted to be benign by multiple in silico algorithms, and/or has population frequency not consistent with disease.